The following is an entry in ClinVar:

ClinVar aggregate classification (germline): Uncertain significance (1 of 4 stars; one submission).

Conditions:
Hyperkalemic periodic paralysis. Also called: Familial hyperkalemic periodic paralysis; Gamstorp disease. Identifiers: Orphanet 682, MedGen C0238357, MONDO:0008224, OMIM 170500, HP:0007215.

Submission:

Labcorp Genetics (formerly Invitae), Labcorp
Classification: Uncertain significance for Hyperkalemic periodic paralysis. Last evaluated: 2023-04-25. Review status: criteria provided, single submitter. Criteria: Invitae Variant Classification Sherloc (09022015). Collection method: clinical testing. Allele origin: germline.
Comment: In summary, the available evidence is currently insufficient to determine the role of this variant in disease. Therefore, it has been classified as a Variant of Uncertain Significance. Advanced modeling of protein sequence and biophysical properties (such as structural, functional, and spatial information, amino acid conservation, physicochemical variation, residue mobility, and thermodynamic stability) performed at Invitae indicates that this missense variant is not expected to disrupt SCN4A protein function. This variant has not been reported in the literature in individuals affected with SCN4A-related conditions. This variant is not present in population databases (gnomAD no frequency). This sequence change replaces isoleucine, which is neutral and non-polar, with valine, which is neutral and non-polar, at codon 1110 of the SCN4A protein (p.Ile1110Val).

NM_000334.4(SCN4A):c.3328A>G (p.Ile1110Val)

Genes: SCN4A (sodium voltage-gated channel alpha subunit 4; minus strand), GH-LCR (growth hormone locus control region; plus strand). Cytogenetic location: 17q23.3.
Variant type: single nucleotide variant.
Coding change: c.3328A>G on transcript NM_000334.4 (MANE Select); coding-DNA position 3328, A replaced by G.
Protein change: p.Ile1110Val; replaces isoleucine 1110 with valine.
Molecular consequence: missense variant.
Genome position (GRCh38, 1-based): chr17:63,947,158, T>C on the plus strand (A>G on the coding strand, the complement: SCN4A is on the minus strand). VCF-style: chr17-63947158-T-C. GRCh37 (hg19) VCF-style: chr17-62024518-T-C.
Other names: short protein forms I1110V.
Identifiers: ClinVar variation 2859075 (VCV002859075.3), dbSNP rs1285493044, ClinGen allele CA400620815.
Genomic context (GRCh38, chr17:63,947,158, plus strand): 5'-TCCGCAGGGATTTGATGGGTCCCAGCTCCGAGTAGCCCAGCCAGTTGGCCACCAAGCTGA[T>C]GATGGAGACCTGCAGGGGAGGGGTGAGGGGATCAGTGCGTGCAAGGCCCCCAGCCTCCCC-3'
Protein context (NP_000325.4, residues 1100-1120): LDFLIVDVSI[Ile1110Val]SLVANWLGYS